The following is an entry in ClinVar:

NM_001111125.3(IQSEC2):c.2157C>G (p.Asp719Glu)

Gene: IQSEC2 (IQ motif and Sec7 domain ArfGEF 2; minus strand). Cytogenetic location: Xp11.22.
Variant type: single nucleotide variant.
Coding change: c.2157C>G on transcript NM_001111125.3 (MANE Select); coding-DNA position 2157, C replaced by G.
Protein change: p.Asp719Glu; replaces aspartic acid 719 with glutamic acid.
Molecular consequence: missense variant.
Genome position (GRCh38, 1-based): chrX:53,250,419, G>C on the plus strand (C>G on the coding strand, the complement: IQSEC2 is on the minus strand). VCF-style: chrX-53250419-G-C. GRCh37 (hg19) VCF-style: chrX-53279601-G-C.
Other names: c.1542C>G, p.Asp514Glu (NM_015075.2); short protein forms D514E, D719E.
Identifiers: ClinVar variation 1167561 (VCV001167561.15), dbSNP rs142545002, ClinGen allele CA10419976.
Genomic context (GRCh38, chrX:53,250,419, plus strand): 5'-CCTTGTCTCCCGCTGGTAAGTCTGCTTGCACAGGCCGGTAGCCGGAGGCTCCCTTAGACT[G>C]TCCCGAGAAGAGGAGCCGGAGCTGCAGTTGATGGTCTCATTGGAATTGCTGGAGCTCTCA-3'
Protein context (NP_001104595.1, residues 709-729): INCSSGSSSR[Asp719Glu]SLREPPATGL

ClinVar aggregate classification (germline): Conflicting classifications of pathogenicity. Review status: criteria provided, conflicting classifications (1 of 4 stars). 3 submissions from 3 submitters: Uncertain significance (1); Benign (1); Likely benign (1). Last evaluated 2026-03-01.

Conditions:
Intellectual developmental disorder, X-linked 1. Also called: Intellectual disability, X-linked 1; MENTAL RETARDATION, X-LINKED 18; MENTAL RETARDATION, X-LINKED 78; Atkin Flaitz Patil Smith syndrome. Identifiers: Orphanet 777, MedGen C2931498, MONDO:0010656, OMIM 309530.

Allele frequency attached by ClinVar (database versions not stated): TOPMed 0.00007; ESP Exome Variant Server 0.00009; gnomAD exomes 0.00004; ExAC 0.00002; gnomAD 0.00007.
gnomAD v4.1: 130 of 1,210,347 alleles (0.011%); highest among the groups gnomAD compares: Non-Finnish European, 0.013%; no homozygotes.

Submissions (3):

CeGaT Center for Human Genetics Tuebingen
Classification: Likely benign. Last evaluated: 2026-03-01. Review status: criteria provided, single submitter. Criteria: CeGaT Center For Human Genetics Tuebingen Variant Classification Criteria Version 2. Collection method: clinical testing. Allele origin: germline. Affected: yes. Observed: 1 variant allele.
Comment: IQSEC2: PP2, BS2

Labcorp Genetics (formerly Invitae), Labcorp
Classification: Benign for Intellectual developmental disorder, X-linked 1. Last evaluated: 2024-05-15. Review status: criteria provided, single submitter. Criteria: Invitae Variant Classification Sherloc (09022015). Collection method: clinical testing. Allele origin: germline.

Revvity Omics, Revvity
Classification: Uncertain significance for Intellectual developmental disorder, X-linked 1. Last evaluated: 2022-02-23. Review status: criteria provided, single submitter. Criteria: ACMG Guidelines, 2015. Collection method: clinical testing. Allele origin: germline.